The following is an entry in ClinVar:

ClinVar aggregate classification (germline): Conflicting classifications of pathogenicity. Review status: criteria provided, conflicting classifications (1 of 4 stars). 6 submissions from 6 submitters: Likely pathogenic (2); Uncertain significance (2). 2 of the submissions do not count toward it. Last evaluated 2024-03-08.

Conditions:
Finnish congenital nephrotic syndrome (NPHS1). Also called: NEPHROTIC SYNDROME, TYPE 1. Identifiers: Orphanet 839, MedGen C0403399, MONDO:0009732, OMIM 256300.

Allele frequency attached by ClinVar (database versions not stated): ExAC 0.00002; gnomAD 0.00007 and 0.00008; TOPMed 0.00014; 1000 Genomes Project 0.00040; 1000 Genomes Project 30x 0.00047.

Submissions (6):

Fulgent Genetics
Classification: Likely pathogenic for Finnish congenital nephrotic syndrome. Last evaluated: 2024-03-08. Review status: criteria provided, single submitter. Criteria: ACMG Guidelines, 2015. Collection method: clinical testing. Allele origin: germline.

Labcorp Genetics (formerly Invitae), Labcorp
Classification: Likely pathogenic. Last evaluated: 2024-01-29. Review status: criteria provided, single submitter. Criteria: Invitae Variant Classification Sherloc (09022015). Collection method: clinical testing. Allele origin: germline.
Comment: This sequence change replaces serine, which is neutral and polar, with phenylalanine, which is neutral and non-polar, at codon 350 of the NPHS1 protein (p.Ser350Phe). This variant is present in population databases (rs570069789, gnomAD 0.03%). This missense change has been observed in individual(s) with NPHS1-related conditions (PMID: 27325253). ClinVar contains an entry for this variant (Variation ID: 550375). Advanced modeling of protein sequence and biophysical properties (such as structural, functional, and spatial information, amino acid conservation, physicochemical variation, residue mobility, and thermodynamic stability) performed at Invitae indicates that this missense variant is expected to disrupt NPHS1 protein function with a positive predictive value of 80%. This variant disrupts the p.Ser350 amino acid residue in NPHS1. Other variant(s) that disrupt this residue have been determined to be pathogenic (PMID: 9915943, 20172850, 20507940, 27594755). This suggests that this residue is clinically significant, and that variants that disrupt this residue are likely to be disease-causing. In summary, the currently available evidence indicates that the variant is pathogenic, but additional data are needed to prove that conclusively. Therefore, this variant has been classified as Likely Pathogenic.

Women's Health and Genetics/Laboratory Corporation of America, LabCorp
Classification: Uncertain significance. Last evaluated: 2021-08-20. Review status: criteria provided, single submitter. Criteria: LabCorp Variant Classification Summary - May 2015. Collection method: clinical testing. Allele origin: germline.
Comment: Variant summary: NPHS1 c.1049C>T (p.Ser350Phe) results in a non-conservative amino acid change located in the Immunoglobulin subtype domain of the encoded protein sequence. Three of five in-silico tools predict a damaging effect of the variant on protein function. The variant allele was found at a frequency of 2.8e-05 in 251430 control chromosomes. The available data on variant occurrences in the general population are insufficient to allow any conclusion about variant significance. c.1049C>T has been reported in the literature in an individual affected with refractory lupus nephritis who carried the variant in the homozygous state (Romaganani_2016). Renal progenitor cells from this patient were differentiated into podocytes which were tested in vitro to show aberrant nephrin trafficking, cytoskeletal structure and lysosomal leakage, and increased detachment as compared with podocytes isolated from controls. However, the clinical impact of these functional changes is unclear. The clinical and functional reports do not provide unequivocal conclusions about association of the variant with Nephrotic Syndrome, Type 1. A different amino acid change at the same location has been reported in association with Nephrotic Syndrome, Type 1 (Ser350Pro), suggesting a potential functional role in the amino acid. Two clinical diagnostic laboratories have submitted clinical-significance assessments for this variant to ClinVar after 2014 without evidence for independent evaluation. All laboratories classified the variant as uncertain significance. Based on the evidence outlined above, the variant was classified as uncertain significance.

Baylor Genetics
Classification: Uncertain significance for Finnish congenital nephrotic syndrome. Last evaluated: 2019-07-15. Review status: criteria provided, single submitter. Criteria: ACMG Guidelines, 2015. Collection method: clinical testing. Allele origin: unknown. Affected: yes.
Comment: This variant was determined to be of uncertain significance according to ACMG Guidelines, 2015 [PMID:25741868].

Natera, Inc.
Classification: Uncertain significance for Finnish congenital nephrotic syndrome. Last evaluated: 2020-05-14. Review status: no assertion criteria provided. Collection method: clinical testing. Allele origin: germline. Not counted in ClinVar's aggregate classification.

Counsyl
Classification: Uncertain significance for Finnish congenital nephrotic syndrome. Last evaluated: 2017-01-25. Review status: no assertion criteria provided. Collection method: clinical testing. Allele origin: unknown. Not counted in ClinVar's aggregate classification.

Literature cited by the submitters: PubMed 27325253 (cited by 3 submitters); PubMed 9915943 (cited by Labcorp Genetics (formerly Invitae), Labcorp); PubMed 20172850 (cited by Labcorp Genetics (formerly Invitae), Labcorp); PubMed 20507940 (cited by Labcorp Genetics (formerly Invitae), Labcorp); PubMed 27594755 (cited by Labcorp Genetics (formerly Invitae), Labcorp).

NM_004646.4(NPHS1):c.1049C>T (p.Ser350Phe)

Gene: NPHS1 (NPHS1 adhesion molecule, nephrin; minus strand). Cytogenetic location: 19q13.12.
Variant type: single nucleotide variant.
Coding change: c.1049C>T on transcript NM_004646.4 (MANE Select); coding-DNA position 1049, C replaced by T.
Protein change: p.Ser350Phe; replaces serine 350 with phenylalanine.
Molecular consequence: missense variant.
Genome position (GRCh38, 1-based): chr19:35,848,758, G>A on the plus strand (C>T on the coding strand, the complement: NPHS1 is on the minus strand). VCF-style: chr19-35848758-G-A. GRCh37 (hg19) VCF-style: chr19-36339660-G-A.
Other names: short protein forms S350F.
Identifiers: ClinVar variation 550375 (VCV000550375.14), dbSNP rs570069789, ClinGen allele CA9390561.